The following is an entry in ClinVar:

ClinVar aggregate classification (germline): Likely benign. Review status: criteria provided, multiple submitters, no conflicts (2 of 4 stars). 4 submissions from 4 submitters: Likely benign (3). 1 of the submissions does not count toward it. Last evaluated 2025-05-15.

Conditions:
OTOG-related disorder. Also called: OTOG-related condition.

Allele frequency attached by ClinVar (database versions not stated): gnomAD exomes 0.00004 and 0.00009; ExAC 0.00006; gnomAD 0.00054 and 0.00060; 1000 Genomes Project 0.00060; TOPMed 0.00060; 1000 Genomes Project 30x 0.00078.
gnomAD v4.1: 140 of 1,550,886 alleles (0.009%); highest among the groups gnomAD compares: African/African-American, 0.17%; no homozygotes.

Submissions (4):

Labcorp Genetics (formerly Invitae), Labcorp
Classification: Likely benign. Last evaluated: 2025-05-15. Review status: criteria provided, single submitter. Criteria: Invitae Variant Classification Sherloc (09022015). Collection method: clinical testing. Allele origin: germline.

Blueprint Genetics
Classification: Likely benign. Last evaluated: 2022-12-08. Review status: criteria provided, single submitter. Criteria: ACMG Guidelines, 2015. Collection method: clinical testing. Allele origin: germline.

GeneDx
Classification: Likely benign. Last evaluated: 2021-01-06. Review status: criteria provided, single submitter. Criteria: GeneDx Variant Classification Process June 2021. Collection method: clinical testing. Allele origin: germline. Affected: yes.

PreventionGenetics, part of Exact Sciences
Classification: Likely benign for OTOG-related condition. Last evaluated: 2021-01-28. Review status: no assertion criteria provided. Collection method: clinical testing. Allele origin: germline. Not counted in ClinVar's aggregate classification.
Comment: This variant is classified as likely benign based on ACMG/AMP sequence variant interpretation guidelines (Richards et al. 2015 PMID: 25741868, with internal and published modifications).

NM_001292063.2(OTOG):c.591T>G (p.Ala197=)

Gene: OTOG (otogelin; plus strand). Cytogenetic location: 11p15.1.
Variant type: single nucleotide variant.
Coding change: c.591T>G on transcript NM_001292063.2 (MANE Select); coding-DNA position 591, T replaced by G.
Protein change: p.Ala197=; no amino-acid change (alanine 197 retained).
Molecular consequence: synonymous variant.
Genome position (GRCh38, 1-based): chr11:17,555,829, T>G. VCF-style: chr11-17555829-T-G. GRCh37 (hg19) VCF-style: chr11-17577376-T-G.
Other names: c.627T>G, p.Ala209= (NM_001277269.2).
Identifiers: ClinVar variation 680375 (VCV000680375.13), dbSNP rs562856597, ClinGen allele CA5905380.